The following is an entry in ClinVar:

ClinVar aggregate classification (germline): Likely pathogenic (0 of 4 stars; one submission).

Conditions:
Immunodeficiency. Identifiers: MedGen C0021051, MONDO:0021094, HP:0002721.

Submission:

Joint Genome Diagnostic Labs from Nijmegen and Maastricht, Radboudumc and MUMC+
Classification: Likely pathogenic for immunodeficiency. Review status: no assertion criteria provided. Collection method: clinical testing. Allele origin: germline. Affected: yes.
Comment: Found in trans with pathogenic monoallelic variant.

NM_030930.4(UNC93B1):c.1632_1644delinsCAACTCGGAG (p.Glu544_Asp548delinsAspAsnSerGlu)

Gene: UNC93B1 (unc-93 homolog B1, TLR signaling regulator; minus strand). Cytogenetic location: 11q13.2.
Variant type: Indel.
Coding change: c.1632_1644delinsCAACTCGGAG on transcript NM_030930.4 (MANE Select); coding-DNA positions 1632 to 1644, GGACAACTCGGAC replaced by CAACTCGGAG.
Protein change: p.Glu544_Asp548delinsAspAsnSerGlu.
Molecular consequence: inframe indel.
Genome position (GRCh38, 1-based): chr11:67,991,696-67,991,708, GTCCGAGTTGTCC replaced by CTCCGAGTTG on the plus strand (GGACAACTCGGAC replaced by CAACTCGGAG on the coding strand, the reverse complement: UNC93B1 is on the minus strand). VCF-style: chr11-67991696-GTCCGAGTTGTCC-CTCCGAGTTG. GRCh37 (hg19) VCF-style: chr11-67759167-GTCCGAGTTGTCC-CTCCGAGTTG.
Identifiers: ClinVar variation 3338157 (VCV003338157.1).